The following is an entry in ClinVar:

ClinVar aggregate classification (germline): Likely benign. Review status: criteria provided, multiple submitters, no conflicts (2 of 4 stars). 4 submissions from 4 submitters: Likely benign (3). 1 of the submissions does not count toward it. Last evaluated 2024-07-01.

Conditions:
ADAM22-related disorder. Also called: ADAM22-related condition.

Allele frequency attached by ClinVar (database versions not stated): gnomAD exomes 0.00036 and 0.00061; ExAC 0.00059; ESP Exome Variant Server 0.00091; TOPMed 0.00127; gnomAD 0.00129 and 0.00136; 1000 Genomes Project 30x 0.00187; 1000 Genomes Project 0.00200.
gnomAD v4.1: 771 of 1,613,944 alleles (0.048%); highest among the groups gnomAD compares: Middle Eastern, 0.38%; 7 homozygotes.

Submissions (4):

CeGaT Center for Human Genetics Tuebingen
Classification: Likely benign. Last evaluated: 2024-07-01. Review status: criteria provided, single submitter. Criteria: CeGaT Center For Human Genetics Tuebingen Variant Classification Criteria Version 2. Collection method: clinical testing. Allele origin: germline. Affected: yes. Observed: 5 variant alleles.
Comment: ADAM22: BS2

Labcorp Genetics (formerly Invitae), Labcorp
Classification: Likely benign. Last evaluated: 2019-12-31. Review status: criteria provided, single submitter. Criteria: Invitae Variant Classification Sherloc (09022015). Collection method: clinical testing. Allele origin: germline.

Breakthrough Genomics
Classification: Likely benign. Review status: criteria provided, single submitter. Criteria: ACMG Guidelines, 2015. Collection method: not provided. Allele origin: germline. Inheritance: Autosomal recessive inheritance. Affected: yes.

PreventionGenetics, part of Exact Sciences
Classification: Likely benign for ADAM22-related condition. Last evaluated: 2022-08-09. Review status: no assertion criteria provided. Collection method: clinical testing. Allele origin: germline. Not counted in ClinVar's aggregate classification.
Comment: This variant is classified as likely benign based on ACMG/AMP sequence variant interpretation guidelines (Richards et al. 2015 PMID: 25741868, with internal and published modifications).

NM_001324418.2(ADAM22):c.2854G>A (p.Val952Met)

Gene: ADAM22 (ADAM metallopeptidase domain 22; plus strand). Cytogenetic location: 7q21.12.
Variant type: single nucleotide variant.
Coding change: c.2854G>A on transcript NM_001324418.2 (MANE Select); coding-DNA position 2854, G replaced by A.
Protein change: p.Val952Met; replaces valine 952 with methionine.
Molecular consequence: missense variant. On other transcripts: intron variant (1).
Genome position (GRCh38, 1-based): chr7:88,193,219, G>A. VCF-style: chr7-88193219-G-A. GRCh37 (hg19) VCF-style: chr7-87822534-G-A.
Other names: c.2569G>A, p.Val857Met (NM_001324417.2); c.2851G>A, p.Val951Met (NM_001324419.2); c.2767G>A, p.Val923Met (NM_001324420.2); c.2572G>A, p.Val858Met (NM_016351.6); c.2659G>A, p.Val887Met (NM_021722.6); c.2680G>A, p.Val894Met (NM_021723.5); c.2469-3252G>A (NM_001324421.2); short protein forms V857M, V887M, V923M, V894M, V858M, V951M, V952M.
Identifiers: ClinVar variation 724144 (VCV000724144.36), dbSNP rs182800008, ClinGen allele CA4330940.